The following is an entry in ClinVar:

ClinVar aggregate classification (germline): Pathogenic (1 of 4 stars; one submission).

Submission:

Labcorp Genetics (formerly Invitae), Labcorp
Classification: Pathogenic. Last evaluated: 2023-10-22. Review status: criteria provided, single submitter. Criteria: Invitae Variant Classification Sherloc (09022015). Collection method: clinical testing. Allele origin: germline.
Comment: This sequence change creates a premature translational stop signal (p.Arg986Alafs*14) in the OTOF gene. It is expected to result in an absent or disrupted protein product. Loss-of-function variants in OTOF are known to be pathogenic (PMID: 18381613, 19250381, 22575033). This variant is not present in population databases (gnomAD no frequency). This variant has not been reported in the literature in individuals affected with OTOF-related conditions. For these reasons, this variant has been classified as Pathogenic.

Literature cited by the submitters: PubMed 18381613; PubMed 19250381; PubMed 22575033.

NM_194248.3(OTOF):c.2956del (p.Arg986fs)

Gene: OTOF (otoferlin; minus strand). Cytogenetic location: 2p23.3.
Variant type: Deletion.
Coding change: c.2956del on transcript NM_194248.3 (MANE Select); coding-DNA position 2956, one base deleted (C; older notation c.2956delC).
Protein change: p.Arg986fs; shifts the reading frame from arginine 986.
Molecular consequence: frameshift variant.
Genome position (GRCh38, 1-based): chr2:26,475,949, G deleted on the plus strand (C on the coding strand, the reverse complement: OTOF is on the minus strand); the first of 3 consecutive G bases (chr2:26,475,949-26,475,951); deleting any one gives the same sequence. VCF-style (leftmost placement, unchanged base first): chr2-26475948-CG-C. GRCh37 (hg19) VCF-style: chr2-26698816-CG-C.
Other names: c.2956del, p.Arg986fs (NM_001287489.2); c.715del, p.Arg239fs (NM_004802.4, NM_194323.3); c.886del, p.Arg296fs (NM_194322.3); short protein forms R296fs, R239fs, R986fs.
Identifiers: ClinVar variation 2767341 (VCV002767341.3), dbSNP rs2465582430, ClinGen allele CA2697547882.